The following is an entry in ClinVar:

NM_016203.4(PRKAG2):c.108C>T (p.His36=)

Gene: PRKAG2 (protein kinase AMP-activated non-catalytic subunit gamma 2; minus strand). Cytogenetic location: 7q36.1.
Variant type: single nucleotide variant.
Coding change: c.108C>T on transcript NM_016203.4 (MANE Select); coding-DNA position 108, C replaced by T.
Protein change: p.His36=; no amino-acid change (histidine 36 retained).
Molecular consequence: synonymous variant.
Genome position (GRCh38, 1-based): chr7:151,876,513, G>A on the plus strand (C>T on the coding strand, the complement: PRKAG2 is on the minus strand). VCF-style: chr7-151876513-G-A. GRCh37 (hg19) VCF-style: chr7-151573598-G-A.
Identifiers: ClinVar variation 766272 (VCV000766272.12), dbSNP rs753210415, ClinGen allele CA053398.

ClinVar aggregate classification (germline): Likely benign. Review status: criteria provided, multiple submitters, no conflicts (2 of 4 stars). 3 submissions from 3 submitters: Likely benign (3). Last evaluated 2024-03-04.

Conditions:
Hypertrophic cardiomyopathy. Also called: HYPERTROPHIC MYOCARDIOPATHY. Identifiers: Orphanet 217569, MedGen C0007194, MeSH D002312, MONDO:0005045, HP:0001639.
Lethal congenital glycogen storage disease of heart. Also called: PHOSPHORYLASE KINASE DEFICIENCY OF HEART; GLYCOGEN STORAGE DISEASE OF HEART. Identifiers: Orphanet 439854, MedGen C1849813, MONDO:0009867, OMIM 261740.
Cardiomyopathy (CMYO). Also called: Cardiomyopathies. Identifiers: Orphanet 167848, MedGen C0878544, MONDO:0004994, HP:0001638. Inheritance: Various modes of inheritance.

Allele frequency attached by ClinVar (database versions not stated): TOPMed 0.00002.
gnomAD v4.1: 4 of 1,606,260 alleles (0.00025%); highest among the groups gnomAD compares: Non-Finnish European, 0.00025%; no homozygotes.

Submissions (3):

Labcorp Genetics (formerly Invitae), Labcorp
Classification: Likely benign for Lethal congenital glycogen storage disease of heart. Last evaluated: 2024-03-04. Review status: criteria provided, single submitter. Criteria: Invitae Variant Classification Sherloc (09022015). Collection method: clinical testing. Allele origin: germline.

All of Us Research Program, National Institutes of Health
Classification: Likely benign for Hypertrophic cardiomyopathy. Last evaluated: 2023-12-13. Review status: criteria provided, single submitter. Criteria: ACMG Guidelines, 2015. Collection method: clinical testing. Allele origin: germline. Inheritance: Autosomal dominant inheritance. Observed: 1 variant allele, 1 heterozygote.
Comment: This study involves interpretation of variants in research participants for the purpose of population health screening. Participant phenotype was not available at the time of variant classification. Additional details can be found in publication PMID: 35346344, PMCID: PMC8962531

Color Diagnostics, LLC DBA Color Health
Classification: Likely benign for Cardiomyopathy. Last evaluated: 2022-07-05. Review status: criteria provided, single submitter. Criteria: ACMG Guidelines, 2015. Collection method: clinical testing. Allele origin: germline.